The following is an entry in ClinVar:

ClinVar aggregate classification (germline): Uncertain significance (1 of 4 stars; one submission).

gnomAD v4.1: 4 of 1,611,618 alleles (0.00025%); highest among the groups gnomAD compares: Middle Eastern, 0.033%; no homozygotes.

Submission:

Labcorp Genetics (formerly Invitae), Labcorp
Classification: Uncertain significance. Last evaluated: 2025-03-26. Review status: criteria provided, single submitter. Criteria: Invitae Variant Classification Sherloc (09022015). Collection method: clinical testing. Allele origin: germline.
Comment: This sequence change replaces alanine, which is neutral and non-polar, with valine, which is neutral and non-polar, at codon 719 of the PLG protein (p.Ala719Val). This variant is not present in population databases (gnomAD no frequency). This variant has not been reported in the literature in individuals affected with PLG-related conditions. Invitae Evidence Modeling of protein sequence and biophysical properties (such as structural, functional, and spatial information, amino acid conservation, physicochemical variation, residue mobility, and thermodynamic stability) indicates that this missense variant is not expected to disrupt PLG protein function with a negative predictive value of 80%. In summary, the available evidence is currently insufficient to determine the role of this variant in disease. Therefore, it has been classified as a Variant of Uncertain Significance.

NM_000301.5(PLG):c.2156C>T (p.Ala719Val)

Gene: PLG (plasminogen; plus strand). Cytogenetic location: 6q26.
Variant type: single nucleotide variant.
Coding change: c.2156C>T on transcript NM_000301.5 (MANE Select); coding-DNA position 2156, C replaced by T.
Protein change: p.Ala719Val; replaces alanine 719 with valine.
Molecular consequence: missense variant.
Genome position (GRCh38, 1-based): chr6:160,752,145, C>T. VCF-style: chr6-160752145-C-T. GRCh37 (hg19) VCF-style: chr6-161173177-C-T.
Other names: short protein forms A719V.
Identifiers: ClinVar variation 4691280 (VCV004691280.1).